The following is an entry in ClinVar:

NM_024334.3(TMEM43):c.331C>G (p.Pro111Ala)

Gene: TMEM43 (transmembrane protein 43; plus strand). Cytogenetic location: 3p25.1.
Variant type: single nucleotide variant.
Coding change: c.331C>G on transcript NM_024334.3 (MANE Select); coding-DNA position 331, C replaced by G.
Protein change: p.Pro111Ala; replaces proline 111 with alanine.
Molecular consequence: missense variant.
Genome position (GRCh38, 1-based): chr3:14,131,613, C>G. VCF-style: chr3-14131613-C-G. GRCh37 (hg19) VCF-style: chr3-14173113-C-G.
Other names: short protein forms P111A.
Identifiers: ClinVar variation 1423775 (VCV001423775.6), dbSNP rs2124987826, ClinGen allele CA351534827.

ClinVar aggregate classification (germline): Uncertain significance (1 of 4 stars; one submission).

Conditions:
Arrhythmogenic right ventricular dysplasia 5. Also called: Arrhythmogenic Right Ventricular Dysplasia/Cardiomyopathy 5; ARRHYTHMOGENIC RIGHT VENTRICULAR DYSPLASIA, FAMILIAL, 5. Identifiers: MedGen C1858379, MONDO:0011459, OMIM 604400.

Submission:

Labcorp Genetics (formerly Invitae), Labcorp
Classification: Uncertain significance for Arrhythmogenic right ventricular dysplasia 5. Last evaluated: 2021-08-15. Review status: criteria provided, single submitter. Criteria: Invitae Variant Classification Sherloc (09022015). Collection method: clinical testing. Allele origin: germline.
Comment: This sequence change replaces proline with alanine at codon 111 of the TMEM43 protein (p.Pro111Ala). The proline residue is weakly conserved and there is a small physicochemical difference between proline and alanine. This variant is not present in population databases (ExAC no frequency). This variant has not been reported in the literature in individuals affected with TMEM43-related conditions. Algorithms developed to predict the effect of missense changes on protein structure and function (SIFT, PolyPhen-2, Align-GVGD) all suggest that this variant is likely to be tolerated. In summary, the available evidence is currently insufficient to determine the role of this variant in disease. Therefore, it has been classified as a Variant of Uncertain Significance.